The following is an entry in ClinVar:

NM_032043.3(BRIP1):c.628-2dup

Gene: BRIP1 (BRCA1 interacting DNA helicase 1; minus strand). Cytogenetic location: 17q23.2.
Variant type: Duplication.
Coding change: c.628-2dup on transcript NM_032043.3 (MANE Select); the canonical splice acceptor site of the intron before coding-DNA position 628, one base duplicated (A; older notation c.628-2dupA).
Molecular consequence: splice acceptor variant.
Genome position (GRCh38, 1-based): chr17:61,808,759, T duplicated on the plus strand (A on the coding strand, the reverse complement: BRIP1 is on the minus strand). VCF-style (leftmost placement, unchanged base first): chr17-61808758-C-CT. GRCh37 (hg19) VCF-style: chr17-59886119-C-CT.
Identifiers: ClinVar variation 2123752 (VCV002123752.6), dbSNP rs2545201325, ClinGen allele CA2580094715.

ClinVar aggregate classification (germline): Uncertain significance. Review status: criteria provided, multiple submitters, no conflicts (2 of 4 stars). 2 submissions from 2 submitters: Uncertain significance (2). Last evaluated 2026-03-04.

Conditions:
Familial cancer of breast. Also called: BREAST CANCER, FAMILIAL; Hereditary breast cancer; hereditary breast carcinoma. Identifiers: Orphanet 227535, MedGen C0346153, MONDO:0016419, OMIM 114480. Disease mechanism: loss of function.
Fanconi anemia complementation group J. Also called: BRIP1-Related Fanconi Anemia. Identifiers: Orphanet 84, MedGen C1836860, MONDO:0012187, OMIM 609054.

Submissions (2):

Dasa
Classification: Uncertain significance. Last evaluated: 2026-03-04. Review status: criteria provided, single submitter. Criteria: DASA Assertion Criteria. Collection method: clinical testing. Allele origin: germline.
Comment: NM_032043.3(BRIP1):c.628-2dup affects a canonical splice site and is predicted to disrupt normal RNA splicing. This variant is rare in population databases. Computational prediction algorithms are consistent with a deleterious effect. The currently available literature and clinical evidence are not sufficient to establish a definitive association between this variant and the reported condition. Therefore, this variant is classified as a variant of uncertain significance.

Labcorp Genetics (formerly Invitae), Labcorp
Classification: Uncertain significance for Familial cancer of breast; Fanconi anemia complementation group J. Last evaluated: 2022-04-09. Review status: criteria provided, single submitter. Criteria: Invitae Variant Classification Sherloc (09022015). Collection method: clinical testing. Allele origin: germline.
Comment: This sequence change falls in intron 6 of the BRIP1 gene. It does not directly change the encoded amino acid sequence of the BRIP1 protein. It affects a nucleotide within the consensus splice site. This variant is not present in population databases (gnomAD no frequency). This variant has not been reported in the literature in individuals affected with BRIP1-related conditions. Variants that disrupt the consensus splice site are a relatively common cause of aberrant splicing (PMID: 17576681, 9536098). Algorithms developed to predict the effect of sequence changes on RNA splicing suggest that this variant may disrupt the consensus splice site. In summary, the available evidence is currently insufficient to determine the role of this variant in disease. Therefore, it has been classified as a Variant of Uncertain Significance.

Literature cited by the submitters: PubMed 17576681 (cited by Labcorp Genetics (formerly Invitae), Labcorp); PubMed 9536098 (cited by Labcorp Genetics (formerly Invitae), Labcorp).